The following is an entry in ClinVar:

NM_006031.6(PCNT):c.9031G>A (p.Ala3011Thr)

Gene: PCNT (pericentrin; plus strand). Cytogenetic location: 21q22.3.
Variant type: single nucleotide variant.
Coding change: c.9031G>A on transcript NM_006031.6 (MANE Select); coding-DNA position 9031, G replaced by A.
Protein change: p.Ala3011Thr; replaces alanine 3011 with threonine.
Molecular consequence: missense variant.
Genome position (GRCh38, 1-based): chr21:46,437,013, G>A. VCF-style: chr21-46437013-G-A. GRCh37 (hg19) VCF-style: chr21-47856926-G-A.
Other names: c.8440G>A, p.Ala2814Thr (NM_001315529.2); short protein forms A2814T, A3011T.
Identifiers: ClinVar variation 4991992 (VCV004991992.1).

ClinVar aggregate classification (germline): Uncertain significance (1 of 4 stars; one submission).

Conditions:
PCNT-related disorder. Also called: PCNT-related condition.

Submission:

PreventionGenetics, part of Exact Sciences
Classification: Uncertain significance for PCNT-related condition. Last evaluated: 2026-08-13. Review status: criteria provided, single submitter. Criteria: ACMG Guidelines, 2015. Collection method: clinical testing. Allele origin: germline.
Comment: The PCNT c.9031G>A variant is predicted to result in the amino acid substitution p.Ala3011Thr. To our knowledge, this variant has not been reported in the literature or in a large population database (gnomAD), indicating this variant is rare. At this time, the clinical significance of this variant is uncertain due to the absence of conclusive functional and genetic evidence.